The following is an entry in ClinVar:

ClinVar aggregate classification (germline): Likely benign. Review status: criteria provided, multiple submitters, no conflicts (2 of 4 stars). 3 submissions from 3 submitters: Likely benign (3). Last evaluated 2023-10-02.

Conditions:
Wilson disease (WND). Also called: Wilson's disease. Identifiers: Orphanet 905, MedGen C0019202, MONDO:0010200, OMIM 277900. Disease mechanism: loss of function.

Allele frequency attached by ClinVar (database versions not stated): gnomAD exomes below 0.00001; ExAC 0.00001; gnomAD 0.00001; TOPMed 0.00001.
gnomAD v4.1: 5 of 1,613,842 alleles (0.00031%); highest among the groups gnomAD compares: Non-Finnish European, 0.00034%; no homozygotes.

Submissions (3):

All of Us Research Program, National Institutes of Health
Classification: Likely benign for Wilson disease. Last evaluated: 2023-10-02. Review status: criteria provided, single submitter. Criteria: ACMG Guidelines, 2015. Collection method: clinical testing. Allele origin: germline. Inheritance: Autosomal recessive inheritance. Observed: 1 variant allele, 1 heterozygote.
Comment: This study involves interpretation of variants in research participants for the purpose of population health screening. Participant phenotype was not available at the time of variant classification. Additional details can be found in publication PMID: 35346344, PMCID: PMC8962531

Labcorp Genetics (formerly Invitae), Labcorp
Classification: Likely benign for Wilson disease. Last evaluated: 2023-02-18. Review status: criteria provided, single submitter. Criteria: Invitae Variant Classification Sherloc (09022015). Collection method: clinical testing. Allele origin: germline.

Color Diagnostics, LLC DBA Color Health
Classification: Likely benign for Wilson disease. Last evaluated: 2022-09-23. Review status: criteria provided, single submitter. Criteria: ACMG Guidelines, 2015. Collection method: clinical testing. Allele origin: germline.

NM_000053.4(ATP7B):c.1544-4C>T

Gene: ATP7B (ATPase copper transporting beta; minus strand). Cytogenetic location: 13q14.3.
Variant type: single nucleotide variant.
Coding change: c.1544-4C>T on transcript NM_000053.4 (MANE Select); 4 bases into the intron before coding-DNA position 1544, C replaced by T.
Molecular consequence: intron variant.
Genome position (GRCh38, 1-based): chr13:51,968,611, G>A on the plus strand (C>T on the coding strand, the complement: ATP7B is on the minus strand). VCF-style: chr13-51968611-G-A. GRCh37 (hg19) VCF-style: chr13-52542747-G-A.
Other names: c.1211-4C>T (NM_001243182.2); c.1544-4C>T (NM_001005918.3, NM_001330579.2, NM_001330578.2).
Identifiers: ClinVar variation 1928167 (VCV001928167.6), dbSNP rs760084115, ClinGen allele CA6989304.